The following is an entry in ClinVar:

ClinVar aggregate classification (germline): Uncertain significance (1 of 4 stars; one submission).

Conditions:
X-linked agammaglobulinemia with growth hormone deficiency (IGHD3). Also called: AGAMMAGLOBULINEMIA AND ISOLATED GROWTH HORMONE DEFICIENCY, X-LINKED; FLEISHER SYNDROME; Isolated growth hormone deficiency type 3; Growth hormone deficiency with hypogammaglobulinemia; HYPOGAMMAGLOBULINEMIA AND ISOLATED GROWTH HORMONE DEFICIENCY, X-LINKED; IGHD III. Identifiers: Orphanet 231692, Orphanet 631, MedGen C0472813, MONDO:0010615, OMIM 307200.

Submission:

Labcorp Genetics (formerly Invitae), Labcorp
Classification: Uncertain significance for X-linked agammaglobulinemia with growth hormone deficiency. Last evaluated: 2024-01-25. Review status: criteria provided, single submitter. Criteria: Invitae Variant Classification Sherloc (09022015). Collection method: clinical testing. Allele origin: germline.
Comment: This sequence change replaces glutamine, which is neutral and polar, with proline, which is neutral and non-polar, at codon 103 of the BTK protein (p.Gln103Pro). This variant is not present in population databases (gnomAD no frequency). This missense change has been observed in individual(s) with BTK-related conditions (PMID: 26931785). An algorithm developed to predict the effect of missense changes on protein structure and function (PolyPhen-2) suggests that this variant is likely to be disruptive. This variant disrupts the p.Gln103 amino acid residue in BTK. Other variant(s) that disrupt this residue have been observed in individuals with BTK-related conditions (PMID: 16159644), which suggests that this may be a clinically significant amino acid residue. In summary, the available evidence is currently insufficient to determine the role of this variant in disease. Therefore, it has been classified as a Variant of Uncertain Significance.

Literature cited by the submitters: PubMed 26931785; PubMed 16159644.

NM_000061.3(BTK):c.308A>C (p.Gln103Pro)

Gene: BTK (Bruton tyrosine kinase; minus strand). Cytogenetic location: Xq22.1.
Variant type: single nucleotide variant.
Coding change: c.308A>C on transcript NM_000061.3 (MANE Select); coding-DNA position 308, A replaced by C.
Protein change: p.Gln103Pro; replaces glutamine 103 with proline.
Molecular consequence: missense variant.
Genome position (GRCh38, 1-based): chrX:101,371,634, T>G on the plus strand (A>C on the coding strand, the complement: BTK is on the minus strand). VCF-style: chrX-101371634-T-G. GRCh37 (hg19) VCF-style: chrX-100626622-T-G.
Other names: c.410A>C, p.Gln137Pro (NM_001287344.2); c.308A>C, p.Gln103Pro (NM_001287345.2); short protein forms Q137P, Q103P.
Identifiers: ClinVar variation 2737305 (VCV002737305.3), dbSNP rs2520667717, ClinGen allele CA413938023.